The following is an entry in ClinVar:

NM_020207.7(ERCC6L2):c.2050C>G (p.Leu684Val)

Gene: ERCC6L2 (ERCC excision repair 6 like 2; plus strand). Cytogenetic location: 9q22.32.
Variant type: single nucleotide variant.
Coding change: c.2050C>G on transcript NM_020207.7 (MANE Select); coding-DNA position 2050, C replaced by G.
Protein change: p.Leu684Val; replaces leucine 684 with valine.
Molecular consequence: missense variant. On other transcripts: non-coding transcript variant (1).
Genome position (GRCh38, 1-based): chr9:95,966,664, C>G. VCF-style: chr9-95966664-C-G. GRCh37 (hg19) VCF-style: chr9-98728946-C-G.
Other names: c.2050C>G, p.Leu684Val (NM_001010895.4, NM_001375291.1, NM_001375292.1 and 2 more transcripts); short protein forms L684V.
Identifiers: ClinVar variation 4019278 (VCV004019278.1).

ClinVar aggregate classification (germline): Uncertain significance (1 of 4 stars; one submission).

Conditions:
Inborn genetic diseases. Identifiers: MedGen C0950123, MeSH D030342.

Submission:

Ambry Genetics
Classification: Uncertain significance for Inborn genetic diseases. Last evaluated: 2025-03-29. Review status: criteria provided, single submitter. Criteria: Ambry Variant Classification Scheme 2023. Collection method: clinical testing. Allele origin: germline.
Comment: The p.L684V variant (also known as c.2050C>G), located in coding exon 14 of the ERCC6L2 gene, results from a C to G substitution at nucleotide position 2050. The leucine at codon 684 is replaced by valine, an amino acid with highly similar properties. This amino acid position is conserved. In addition, this alteration is predicted to be tolerated by in silico analysis. Based on the available evidence, the clinical significance of this variant remains unclear.